The following is an entry in ClinVar:

NM_006648.4(WNK2):c.4514G>A (p.Gly1505Glu)

Gene: WNK2 (WNK lysine deficient protein kinase 2; plus strand). Cytogenetic location: 9q22.31.
Variant type: single nucleotide variant.
Coding change: c.4514G>A on transcript NM_006648.4 (MANE Select); coding-DNA position 4514, G replaced by A.
Protein change: p.Gly1505Glu; replaces glycine 1505 with glutamic acid.
Molecular consequence: missense variant.
Genome position (GRCh38, 1-based): chr9:93,289,268, G>A. VCF-style: chr9-93289268-G-A. GRCh37 (hg19) VCF-style: chr9-96051550-G-A.
Other names: c.4625G>A, p.Gly1542Glu (NM_001282394.3); short protein forms G1542E, G1505E.
Identifiers: ClinVar variation 4201540 (VCV004201540.1).

ClinVar aggregate classification (germline): Uncertain significance (1 of 4 stars; one submission).

Submission:

Ambry Genetics
Classification: Uncertain significance. Last evaluated: 2025-06-22. Review status: criteria provided, single submitter. Criteria: Ambry Variant Classification Scheme 2023. Collection method: clinical testing. Allele origin: germline.
Comment: The p.G1505E variant (also known as c.4514G>A), located in coding exon 19 of the WNK2 gene, results from a G to A substitution at nucleotide position 4514. The glycine at codon 1505 is replaced by glutamic acid, an amino acid with similar properties. This amino acid position is conserved. In addition, this alteration is predicted to be tolerated by in silico analysis. Based on the available evidence, the clinical significance of this variant remains unclear.